The following is an entry in ClinVar:

ClinVar aggregate classification (germline): Uncertain significance (1 of 4 stars; one submission).

Conditions:
Inborn genetic diseases. Identifiers: MedGen C0950123, MeSH D030342.

Submission:

Ambry Genetics
Classification: Uncertain significance for Inborn genetic diseases. Last evaluated: 2021-07-20. Review status: criteria provided, single submitter. Criteria: Ambry Variant Classification Scheme 2023. Collection method: clinical testing. Allele origin: germline.
Comment: The p.S467R variant (also known as c.1401C>G), located in coding exon 10 of the EPAS1 gene, results from a C to G substitution at nucleotide position 1401. The serine at codon 467 is replaced by arginine, an amino acid with dissimilar properties. This amino acid position is conserved. In addition, this alteration is predicted to be tolerated by in silico analysis. Since supporting evidence is limited at this time, the clinical significance of this alteration remains unclear.

NM_001430.5(EPAS1):c.1401C>G (p.Ser467Arg)

Gene: EPAS1 (endothelial PAS domain protein 1; plus strand). Cytogenetic location: 2p21.
Variant type: single nucleotide variant.
Coding change: c.1401C>G on transcript NM_001430.5 (MANE Select); coding-DNA position 1401, C replaced by G.
Protein change: p.Ser467Arg; replaces serine 467 with arginine.
Molecular consequence: missense variant.
Genome position (GRCh38, 1-based): chr2:46,378,045, C>G. VCF-style: chr2-46378045-C-G. GRCh37 (hg19) VCF-style: chr2-46605184-C-G.
Other names: short protein forms S467R.
Identifiers: ClinVar variation 1771805 (VCV001771805.2), dbSNP rs1268060836, ClinGen allele CA346704003.